The following is an entry in ClinVar:

NM_001754.5(RUNX1):c.1281C>A (p.Arg427=)

Gene: RUNX1 (RUNX family transcription factor 1; minus strand). Cytogenetic location: 21q22.12.
Variant type: single nucleotide variant.
Coding change: c.1281C>A on transcript NM_001754.5 (MANE Select); coding-DNA position 1281, C replaced by A.
Protein change: p.Arg427=; no amino-acid change (arginine 427 retained).
Molecular consequence: synonymous variant.
Genome position (GRCh38, 1-based): chr21:34,792,297, G>T on the plus strand (C>A on the coding strand, the complement: RUNX1 is on the minus strand). VCF-style: chr21-34792297-G-T. GRCh37 (hg19) VCF-style: chr21-36164594-G-T.
Other names: NM_001754.5(RUNX1):c.1281C>A; p.Arg427=; c.1200C>A, p.Arg400= (NM_001001890.3).
Identifiers: ClinVar variation 2132477 (VCV002132477.6), dbSNP rs2145874067, ClinGen allele CA512341128.

ClinVar aggregate classification (germline): Likely benign. Review status: reviewed by expert panel (3 of 4 stars). 3 submissions from 3 submitters: Likely benign (1). 2 of the submissions do not count toward it. Last evaluated 2024-09-10.

Conditions:
Hereditary thrombocytopenia and hematologic cancer predisposition syndrome. Identifiers: Orphanet 71290, MedGen CN281654, MONDO:0011071.
Inborn genetic diseases. Identifiers: MedGen C0950123, MeSH D030342.
Hereditary thrombocytopenia and hematological cancer predisposition syndrome associated with RUNX1. Also called: RUNX1 Familial Platelet Disorder with Associated Myeloid Malignancies; Familial Platelet Disorder with Propensity to Acute Myelogenous Leukemia; Familial thrombocytopenia with propensity to acute myelogenous leukemia; PLATELET DISORDER, ASPIRIN-LIKE. Identifiers: Orphanet 71290, MedGen C1832388, MeSH C563324, MONDO:0100083, OMIM 601399.

Submissions (3):

ClinGen Myeloid Malignancy Variant Curation Expert Panel
Classification: Likely benign for Hereditary thrombocytopenia and hematologic cancer predisposition syndrome. Last evaluated: 2024-09-10. Review status: reviewed by expert panel. Criteria: ClinGen MyeloMalig ACMG Specifications v2. Collection method: curation. Allele origin: germline. Inheritance: Autosomal dominant inheritance.
Comment: NM_001754.5(RUNX1):c.1281C>A (p.Arg427=) is a synonymous variant which has a SpliceAI score ≤ 0.20 (0.0) (BP4). This variant has a SpliceAI score ≤ 0.20 (0.0) and evolutionary conservation algorithms predict the site as not being conserved (PhyloP score ≤ 2.0 (0.25)) (BP7). This variant is completely absent from all population databases with at least 20x coverage for RUNX1 (PM2_Supporting). In summary, this variant meets criteria to be classified as likely benign. ACMG/AMP criteria applied, as specified by the Myeloid Malignancy Variant Curation Expert Panel for RUNX1: BP4, BP7, PM2_supporting.

Ambry Genetics
Classification: Likely benign for Inborn genetic diseases. Last evaluated: 2024-11-25. Review status: criteria provided, single submitter. Criteria: Ambry Variant Classification Scheme 2023. Collection method: clinical testing. Allele origin: germline. Not counted in ClinVar's aggregate classification.

Labcorp Genetics (formerly Invitae), Labcorp
Classification: Likely benign for Hereditary thrombocytopenia and hematological cancer predisposition syndrome associated with RUNX1. Last evaluated: 2022-05-01. Review status: criteria provided, single submitter. Criteria: Invitae Variant Classification Sherloc (09022015). Collection method: clinical testing. Allele origin: germline. Not counted in ClinVar's aggregate classification.